The following is an entry in ClinVar:

ClinVar aggregate classification (germline): Uncertain significance. Review status: criteria provided, multiple submitters, no conflicts (2 of 4 stars). 2 submissions from 2 submitters: Uncertain significance (2). Last evaluated 2024-03-07.

Conditions:
Familial thoracic aortic aneurysm and aortic dissection (TAAD). Also called: Thoracic aortic aneurysms and dissections. Identifiers: Orphanet 91387, MedGen C4707243, MONDO:0019625.
Marfan syndrome (MFS). Also called: FBN1-Related Marfan Syndrome; MARFAN SYNDROME, TYPE I; Marfan syndrome type 1; Marfan's syndrome; Marfan syndrome, classic. Identifiers: Orphanet 284963, Orphanet 558, MedGen C0024796, MONDO:0007947, OMIM 154700.

Submissions (2):

Color Diagnostics, LLC DBA Color Health
Classification: Uncertain significance for Familial thoracic aortic aneurysm and aortic dissection. Last evaluated: 2024-03-07. Review status: criteria provided, single submitter. Criteria: ACMG Guidelines, 2015. Collection method: clinical testing. Allele origin: germline.
Comment: This missense variant replaces phenylalanine with valine at codon 553 of the FBN1 protein. Computational prediction suggests that this variant may have deleterious impact on protein structure and function (internally defined REVEL score threshold >= 0.7, PMID: 27666373). To our knowledge, functional studies have not been reported for this variant. This variant has not been reported in individuals affected with FBN1-related disorders in the literature. This variant has not been identified in the general population by the Genome Aggregation Database (gnomAD). The available evidence is insufficient to determine the role of this variant in disease conclusively. Therefore, this variant is classified as a Variant of Uncertain Significance.

All of Us Research Program, National Institutes of Health
Classification: Uncertain significance for Marfan syndrome. Last evaluated: 2023-02-24. Review status: criteria provided, single submitter. Criteria: ACMG Guidelines, 2015. Collection method: clinical testing. Allele origin: germline. Inheritance: Autosomal dominant inheritance. Observed: 1 variant allele, 1 heterozygote.
Comment: This missense variant replaces phenylalanine with valine at codon 553 of the FBN1 protein. Computational prediction suggests that this variant may have deleterious impact on protein structure and function (internally defined REVEL score threshold >= 0.7, PMID: 27666373). To our knowledge, functional studies have not been reported for this variant. This variant has not been reported in individuals affected with cardiovascular disorders in the literature. This variant has not been identified in the general population by the Genome Aggregation Database (gnomAD). The available evidence is insufficient to determine the role of this variant in disease conclusively. Therefore, this variant is classified as a Variant of Uncertain Significance.

This study involves interpretation of variants in research participants for the purpose of population health screening. Participant phenotype was not available at the time of variant classification. Additional details can be found in publication PMID: 35346344, PMCID: PMC8962531

NM_000138.5(FBN1):c.1657T>G (p.Phe553Val)

Gene: FBN1 (fibrillin 1; minus strand). Cytogenetic location: 15q21.1.
Variant type: single nucleotide variant.
Coding change: c.1657T>G on transcript NM_000138.5 (MANE Select); coding-DNA position 1657, T replaced by G.
Protein change: p.Phe553Val; replaces phenylalanine 553 with valine.
Molecular consequence: missense variant.
Genome position (GRCh38, 1-based): chr15:48,510,101, A>C on the plus strand (T>G on the coding strand, the complement: FBN1 is on the minus strand). VCF-style: chr15-48510101-A-C. GRCh37 (hg19) VCF-style: chr15-48802298-A-C.
Other names: c.1657T>G, p.Phe553Val (NM_001406716.1); short protein forms F553V.
Identifiers: ClinVar variation 2773384 (VCV002773384.3), dbSNP rs2043746162, ClinGen allele CA392341108.
Genomic context (GRCh38, chr15:48,510,101, plus strand): 5'-TACCTTCACAGTTCTTCCCATCTCGTGTAACATGAAAGCCCGCATTACACACGCAATGAA[A>C]ACTGCCATCTGTGTTGATGCAGCGTCCATTATTGCAGATCCGGCCATTCTGTAAACACTC-3'
Protein context (NP_000129.3, residues 543-563): NGRCINTDGS[Phe553Val]HCVCNAGFHV